The following is an entry in ClinVar:

ClinVar aggregate classification (germline): Pathogenic (1 of 4 stars; one submission).

Submission:

Labcorp Genetics (formerly Invitae), Labcorp
Classification: Pathogenic. Last evaluated: 2024-04-24. Review status: criteria provided, single submitter. Criteria: Invitae Variant Classification Sherloc (09022015). Collection method: clinical testing. Allele origin: germline.
Comment: This sequence change creates a premature translational stop signal (p.Gln1718Valfs*21) in the USH2A gene. It is expected to result in an absent or disrupted protein product. Loss-of-function variants in USH2A are known to be pathogenic (PMID: 10729113, 10909849, 20507924, 25649381). This variant is not present in population databases (gnomAD no frequency). This variant has not been reported in the literature in individuals affected with USH2A-related conditions. ClinVar contains an entry for this variant (Variation ID: 850326). For these reasons, this variant has been classified as Pathogenic.

Literature cited by the submitters: PubMed 10729113; PubMed 10909849; PubMed 20507924; PubMed 25649381.

NM_206933.4(USH2A):c.5151_5152del (p.Gln1718fs)

Genes: USH2A (usherin; minus strand), USH2A-AS2 (USH2A antisense RNA 2; plus strand). Cytogenetic location: 1q41.
Variant type: Deletion.
Coding change: c.5151_5152del on transcript NM_206933.4 (MANE Select); coding-DNA positions 5151 to 5152, 2 bases deleted (TC; older notation c.5151_5152delTC).
Protein change: p.Gln1718fs; shifts the reading frame from glutamine 1718.
Molecular consequence: frameshift variant.
Genome position (GRCh38, 1-based): chr1:216,084,713-216,084,714, GA deleted on the plus strand (TC on the coding strand, the reverse complement: USH2A is on the minus strand); deleting any 2 consecutive bases within chr1:216,084,713-216,084,715 gives the same sequence; the c. name uses the placement nearest the transcript's 3' end. VCF-style (leftmost placement, unchanged base first): chr1-216084712-TGA-T. GRCh37 (hg19) VCF-style: chr1-216258054-TGA-T.
Other names: short protein forms Q1718fs.
Identifiers: ClinVar variation 850326 (VCV000850326.8), dbSNP rs2032068125, ClinGen allele CA916082138.